The following is an entry in ClinVar:

NM_182916.3(TRNT1):c.1224ACA[3] (p.Gln410dup)

Gene: TRNT1 (tRNA nucleotidyl transferase 1; plus strand). Cytogenetic location: 3p26.2.
Variant type: Microsatellite.
Coding change: c.1224ACA[3] on transcript NM_182916.3 (MANE Select); three copies in a row of the 3-base unit ACA starting at c.1224; the reference has two copies in a row; one copy, 3 bases duplicated.
Protein change: p.Gln410dup; duplicates glutamine 410.
Molecular consequence: inframe insertion. On other transcripts: non-coding transcript variant (8).
Genome position (GRCh38, 1-based): chr3:3,148,076-3,148,078, ACA duplicated; duplicating any 3 consecutive bases within chr3:3,148,073-3,148,078 gives the same sequence; the position shown is the placement nearest the transcript's 3' end. VCF-style (leftmost placement, unchanged base first): chr3-3148072-T-TACA. GRCh37 (hg19) VCF-style: chr3-3189756-T-TACA.
Other names: c.1164ACA[3], p.Gln390dup (NM_001302946.2); c.1224ACA[3], p.Gln410dup (NM_001367321.1, NM_001367322.1, NM_001367323.1).
Identifiers: ClinVar variation 1350217 (VCV001350217.5), dbSNP rs2126038336, ClinGen allele CA2580614123.

ClinVar aggregate classification (germline): Uncertain significance (1 of 4 stars; one submission).

Conditions:
Congenital sideroblastic anemia-B-cell immunodeficiency-periodic fever-developmental delay syndrome. Also called: Sideroblastic anemia with B-cell immunodeficiency, periodic fevers, and developmental delay. Identifiers: Orphanet 369861, MedGen C4015172, MONDO:0014487, OMIM 616084.

Submission:

Labcorp Genetics (formerly Invitae), Labcorp
Classification: Uncertain significance for Congenital sideroblastic anemia-B-cell immunodeficiency-periodic fever-developmental delay syndrome. Last evaluated: 2021-08-26. Review status: criteria provided, single submitter. Criteria: Invitae Variant Classification Sherloc (09022015). Collection method: clinical testing. Allele origin: germline.
Comment: This variant, c.1227_1229dup, results in the insertion of 1 amino acid(s) to the TRNT1 protein (p.Gln410dup), but otherwise preserves the integrity of the reading frame. This variant is not present in population databases (ExAC no frequency). This variant has not been reported in the literature in individuals affected with TRNT1-related conditions. Experimental studies and prediction algorithms are not available or were not evaluated, and the functional significance of this variant is currently unknown. In summary, the available evidence is currently insufficient to determine the role of this variant in disease. Therefore, it has been classified as a Variant of Uncertain Significance.